The following is an entry in ClinVar:

ClinVar aggregate classification (germline): Likely benign. Review status: criteria provided, single submitter (1 of 4 stars). 2 submissions from 2 submitters: Likely benign (1). 1 of the submissions does not count toward it. Last evaluated 2025-11-17.

Conditions:
Bardet-Biedl syndrome (BBS). Identifiers: Orphanet 110, MedGen C0752166, MONDO:0015229.
BBS9-related disorder. Also called: BBS9-related condition.

Allele frequency attached by ClinVar (database versions not stated): gnomAD exomes below 0.00001; gnomAD 0.00001; TOPMed 0.00001; ExAC 0.00002.
gnomAD v4.1: 9 of 1,614,072 alleles (0.00056%); highest among the groups gnomAD compares: South Asian, 0.0011%; no homozygotes.

Submissions (2):

Labcorp Genetics (formerly Invitae), Labcorp
Classification: Likely benign for Bardet-Biedl syndrome. Last evaluated: 2025-11-17. Review status: criteria provided, single submitter. Criteria: Invitae Variant Classification Sherloc (09022015). Collection method: clinical testing. Allele origin: germline.

PreventionGenetics, part of Exact Sciences
Classification: Likely benign for BBS9-related condition. Last evaluated: 2022-05-27. Review status: no assertion criteria provided. Collection method: clinical testing. Allele origin: germline. Not counted in ClinVar's aggregate classification.
Comment: This variant is classified as likely benign based on ACMG/AMP sequence variant interpretation guidelines (Richards et al. 2015 PMID: 25741868, with internal and published modifications).

NM_198428.3(BBS9):c.2412C>T (p.Asp804=)

Gene: BBS9 (Bardet-Biedl syndrome 9; plus strand). Cytogenetic location: 7p14.3.
Variant type: single nucleotide variant.
Coding change: c.2412C>T on transcript NM_198428.3 (MANE Select); coding-DNA position 2412, C replaced by T.
Protein change: p.Asp804=; no amino-acid change (aspartic acid 804 retained).
Molecular consequence: synonymous variant. On other transcripts: non-coding transcript variant (3).
Genome position (GRCh38, 1-based): chr7:33,534,067, C>T. VCF-style: chr7-33534067-C-T. GRCh37 (hg19) VCF-style: chr7-33573679-C-T.
Other names: c.2412C>T (NM_198428.2); c.2307C>T, p.Asp769= (NM_001033604.2); c.2397C>T, p.Asp799= (NM_001033605.2); c.2412C>T, p.Asp804= (NM_001348036.1, NM_001348041.4, NM_001348043.3 and 3 more transcripts); c.1863C>T, p.Asp621= (NM_001348037.3); c.2139C>T, p.Asp713= (NM_001348038.3); c.2034C>T, p.Asp678= (NM_001348039.3); c.2292C>T, p.Asp764= (NM_001348040.3, NM_014451.4); and 3 more.
Identifiers: ClinVar variation 2820444 (VCV002820444.4), dbSNP rs766501633, ClinGen allele CA4214678.
Genomic context (GRCh38, chr7:33,534,067, plus strand): 5'-GTCGAAGAGTTCTAAGGAGCAGGCTTTGAACCTCAACAGCCAGCTGAACATACCCAAAGA[C>T]ACAAGCCAACTGAAGAAACATATCACCTTGCTCTGCGATAGATTATCCAAAGGTGGCCGT-3'
Protein context (NP_940820.1, residues 794-814): NLNSQLNIPK[Asp804=]TSQLKKHITL